The following is an entry in ClinVar:

NM_001849.4(COL6A2):c.1199G>T (p.Gly400Val)

Gene: COL6A2 (collagen type VI alpha 2 chain; plus strand). Cytogenetic location: 21q22.3.
Variant type: single nucleotide variant.
Coding change: c.1199G>T on transcript NM_001849.4 (MANE Select); coding-DNA position 1199, G replaced by T.
Protein change: p.Gly400Val; replaces glycine 400 with valine.
Molecular consequence: missense variant.
Genome position (GRCh38, 1-based): chr21:46,119,049, G>T. VCF-style: chr21-46119049-G-T. GRCh37 (hg19) VCF-style: chr21-47538963-G-T.
Other names: c.1199G>T, p.Gly400Val (NM_058174.3, NM_058175.3); short protein forms G400V.
Identifiers: ClinVar variation 542968 (VCV000542968.9), dbSNP rs1555873827, ClinGen allele CA410529788.

ClinVar aggregate classification (germline): Uncertain significance (1 of 4 stars; one submission).

Conditions:
Bethlem myopathy 1A. Also called: MYOPATHY, BENIGN CONGENITAL, WITH CONTRACTURES; Bethlem Muscular Dystrophy; Bethlem myopathy 1. Identifiers: Orphanet 610, MedGen CN029274, MONDO:0024530, OMIM 158810.

Submission:

Labcorp Genetics (formerly Invitae), Labcorp
Classification: Uncertain significance for Bethlem myopathy 1A. Last evaluated: 2017-08-09. Review status: criteria provided, single submitter. Criteria: Invitae Variant Classification Sherloc (09022015). Collection method: clinical testing. Allele origin: germline.
Comment: Glycine residues within the Gly-Xaa-Yaa repeats of the triple helix domain are required for the structure and stability of fibrillar collagens (PMID: 7695699, 8218237, 19344236). In COL6A2, missense variants at these glycine residues are significantly enriched in individuals with disease (PMID: 15689448, 24038877) compared to the general population (ExAC). This sequence change replaces glycine with valine at codon 400 of the COL6A2 protein (p.Gly400Val). The glycine residue is highly conserved and there is a moderate physicochemical difference between glycine and valine. This variant is not present in population databases (ExAC no frequency). This variant has not been reported in the literature in individuals with COL6A2-related disease. Algorithms developed to predict the effect of missense changes on protein structure and function do not agree on the potential impact of this missense change (SIFT: "Deleterious"; PolyPhen-2: "Probably Damaging"; Align-GVGD: "Class C0"). In summary, this variant is a novel missense change affecting a residue that is critical for protein structure, stability and function. However, the available evidence is currently insufficient to determine its role in disease. Therefore, it has been classified as a Variant of Uncertain Significance.

Literature cited by the submitters: PubMed 7695699; PubMed 8218237; PubMed 19344236; PubMed 15689448; PubMed 24038877.